The following is an entry in ClinVar:

ClinVar aggregate classification (germline): Uncertain significance. Review status: criteria provided, multiple submitters, no conflicts (2 of 4 stars). 4 submissions from 4 submitters: Uncertain significance (3). 1 of the submissions does not count toward it. Last evaluated 2024-07-09.

Conditions:
CACNA1S-related disorder. Also called: CACNA1S-related condition.
Hypokalemic periodic paralysis, type 1. Also called: Hypokalemic Periodic Paralysis Type 1 (AD); HypoPP. Identifiers: Orphanet 681, MedGen C3714580, MONDO:0042979, OMIM 170400.
Malignant hyperthermia, susceptibility to, 5 (MHS5). Also called: CACNA1S-Related Malignant Hyperthermia Susceptibility. Identifiers: Orphanet 423, MedGen C1866077, MONDO:0011163, OMIM 601887.
Inborn genetic diseases. Identifiers: MedGen C0950123, MeSH D030342.

Allele frequency attached by ClinVar (database versions not stated): gnomAD 0.00001; TOPMed 0.00001; ExAC 0.00002.
gnomAD v4.1: 52 of 1,613,656 alleles (0.0032%); highest among the groups gnomAD compares: Non-Finnish European, 0.0043%; no homozygotes.

Submissions (4):

Ambry Genetics
Classification: Uncertain significance for Inborn genetic diseases. Last evaluated: 2024-07-09. Review status: criteria provided, single submitter. Criteria: Ambry Variant Classification Scheme 2023. Collection method: clinical testing. Allele origin: germline.

All of Us Research Program, National Institutes of Health
Classification: Uncertain significance for Malignant hyperthermia, susceptibility to, 5. Last evaluated: 2024-01-08. Review status: criteria provided, single submitter. Criteria: ACMG Guidelines, 2015. Collection method: clinical testing. Allele origin: germline. Inheritance: Autosomal dominant inheritance. Observed: 1 variant allele, 1 heterozygote.
Comment: This missense variant replaces proline with alanine at codon 1782 of the CACNA1S protein. Computational prediction suggests that this variant may not impact protein structure and function (internally defined REVEL score threshold <= 0.5, PMID: 27666373). To our knowledge, functional studies have not been reported for this variant. This variant has not been reported in individuals affected with CACNA1S-related disorders in the literature. This variant has been identified in 3/250796 chromosomes in the general population by the Genome Aggregation Database (gnomAD). The available evidence is insufficient to determine the role of this variant in disease conclusively. Therefore, this variant is classified as a Variant of Uncertain Significance.

This study involves interpretation of variants in research participants for the purpose of population health screening. Participant phenotype was not available at the time of variant classification. Additional details can be found in publication PMID: 35346344, PMCID: PMC8962531

Labcorp Genetics (formerly Invitae), Labcorp
Classification: Uncertain significance for Hypokalemic periodic paralysis, type 1; Malignant hyperthermia, susceptibility to, 5. Last evaluated: 2024-01-02. Review status: criteria provided, single submitter. Criteria: Invitae Variant Classification Sherloc (09022015). Collection method: clinical testing. Allele origin: germline.
Comment: This sequence change replaces proline, which is neutral and non-polar, with alanine, which is neutral and non-polar, at codon 1782 of the CACNA1S protein (p.Pro1782Ala). This variant is present in population databases (rs759514392, gnomAD 0.003%). This variant has not been reported in the literature in individuals affected with CACNA1S-related conditions. ClinVar contains an entry for this variant (Variation ID: 2629156). Advanced modeling of protein sequence and biophysical properties (such as structural, functional, and spatial information, amino acid conservation, physicochemical variation, residue mobility, and thermodynamic stability) performed at Invitae indicates that this missense variant is not expected to disrupt CACNA1S protein function with a negative predictive value of 95%. In summary, the available evidence is currently insufficient to determine the role of this variant in disease. Therefore, it has been classified as a Variant of Uncertain Significance.

PreventionGenetics, part of Exact Sciences
Classification: Uncertain significance for CACNA1S-related condition. Last evaluated: 2024-09-09. Review status: no assertion criteria provided. Collection method: clinical testing. Allele origin: germline. Not counted in ClinVar's aggregate classification.
Comment: The CACNA1S c.5344C>G variant is predicted to result in the amino acid substitution p.Pro1782Ala. To our knowledge, this variant has not been reported in the literature. This variant is reported in 0.0026% of alleles in individuals of European (Non-Finnish) descent in gnomAD. At this time, the clinical significance of this variant is uncertain due to the absence of conclusive functional and genetic evidence.

NM_000069.3(CACNA1S):c.5344C>G (p.Pro1782Ala)

Gene: CACNA1S (calcium voltage-gated channel subunit alpha1 S; minus strand). Cytogenetic location: 1q32.1.
Variant type: single nucleotide variant.
Coding change: c.5344C>G on transcript NM_000069.3 (MANE Select); coding-DNA position 5344, C replaced by G.
Protein change: p.Pro1782Ala; replaces proline 1782 with alanine.
Molecular consequence: missense variant.
Genome position (GRCh38, 1-based): chr1:201,040,257, G>C on the plus strand (C>G on the coding strand, the complement: CACNA1S is on the minus strand). VCF-style: chr1-201040257-G-C. GRCh37 (hg19) VCF-style: chr1-201009385-G-C.
Other names: short protein forms P1782A.
Identifiers: ClinVar variation 2629156 (VCV002629156.7), dbSNP rs759514392, ClinGen allele CA083812.